The following is an entry in ClinVar:

NM_152743.4(BRAT1):c.1849A>G (p.Thr617Ala)

Gene: BRAT1 (BRCA1 associated ATM activator 1; minus strand). Cytogenetic location: 7p22.3.
Variant type: single nucleotide variant.
Coding change: c.1849A>G on transcript NM_152743.4 (MANE Select); coding-DNA position 1849, A replaced by G.
Protein change: p.Thr617Ala; replaces threonine 617 with alanine.
Molecular consequence: missense variant. On other transcripts: non-coding transcript variant (1).
Genome position (GRCh38, 1-based): chr7:2,538,686, T>C on the plus strand (A>G on the coding strand, the complement: BRAT1 is on the minus strand). VCF-style: chr7-2538686-T-C. GRCh37 (hg19) VCF-style: chr7-2578320-T-C.
Other names: c.2029A>G, p.Thr677Ala (NM_001350626.2); c.1324A>G, p.Thr442Ala (NM_001350627.2); short protein forms T442A, T617A, T677A.
Identifiers: ClinVar variation 961987 (VCV000961987.7), dbSNP rs980112535, ClinGen allele CA152665014.

ClinVar aggregate classification (germline): Uncertain significance (1 of 4 stars; one submission).

Conditions:
Neonatal-onset encephalopathy with rigidity and seizures. Also called: Lethal neonatal spasticity-epileptic encephalopathy syndrome. Identifiers: Orphanet 435845, MedGen C3281029, MONDO:0013784, OMIM 614498.

Allele frequency attached by ClinVar (database versions not stated): gnomAD exomes below 0.00001 and 0.00001; gnomAD 0.00001; TOPMed 0.00005.
gnomAD v4.1: 11 of 1,598,270 alleles (0.00069%); highest among the groups gnomAD compares: Non-Finnish European, 0.00085%; no homozygotes.

Submission:

Labcorp Genetics (formerly Invitae), Labcorp
Classification: Uncertain significance for Neonatal-onset encephalopathy with rigidity and seizures. Last evaluated: 2025-02-03. Review status: criteria provided, single submitter. Criteria: Invitae Variant Classification Sherloc (09022015). Collection method: clinical testing. Allele origin: germline.
Comment: This sequence change replaces threonine, which is neutral and polar, with alanine, which is neutral and non-polar, at codon 617 of the BRAT1 protein (p.Thr617Ala). This variant is present in population databases (no rsID available, gnomAD 0.0009%). This variant has not been reported in the literature in individuals affected with BRAT1-related conditions. ClinVar contains an entry for this variant (Variation ID: 961987). Invitae Evidence Modeling of protein sequence and biophysical properties (such as structural, functional, and spatial information, amino acid conservation, physicochemical variation, residue mobility, and thermodynamic stability) indicates that this missense variant is not expected to disrupt BRAT1 protein function with a negative predictive value of 95%. In summary, the available evidence is currently insufficient to determine the role of this variant in disease. Therefore, it has been classified as a Variant of Uncertain Significance.